The following is an entry in ClinVar:

ClinVar aggregate classification (germline): Uncertain significance (1 of 4 stars; one submission).

Allele frequency attached by ClinVar (database versions not stated): ExAC 0.00001; gnomAD exomes 0.00001.
gnomAD v4.1: 24 of 1,611,256 alleles (0.0015%); highest among the groups gnomAD compares: Non-Finnish European, 0.002%; no homozygotes.

Submission:

GeneDx
Classification: Uncertain significance. Last evaluated: 2022-01-28. Review status: criteria provided, single submitter. Criteria: GeneDx Variant Classification Process June 2021. Collection method: clinical testing. Allele origin: germline. Affected: yes.
Comment: Not observed at significant frequency in large population cohorts (gnomAD); Has not been previously published as pathogenic or benign to our knowledge; In silico analysis, which includes splice predictors and evolutionary conservation, suggests this variant may impact gene splicing. In the absence of RNA/functional studies, the actual effect of this sequence change is unknown.

NM_145038.5(DRC1):c.356+5G>A

Gene: DRC1 (dynein regulatory complex subunit 1; plus strand). Cytogenetic location: 2p23.3.
Variant type: single nucleotide variant.
Coding change: c.356+5G>A on transcript NM_145038.5 (MANE Select); 5 bases into the intron after coding-DNA position 356, G replaced by A.
Molecular consequence: intron variant.
Genome position (GRCh38, 1-based): chr2:26,421,405, G>A. VCF-style: chr2-26421405-G-A. GRCh37 (hg19) VCF-style: chr2-26644273-G-A.
Identifiers: ClinVar variation 1699884 (VCV001699884.2), dbSNP rs765588210, ClinGen allele CA1561839.